The following is an entry in ClinVar:

NM_015557.3(CHD5):c.4312C>T (p.Arg1438Cys)

Gene: CHD5 (chromodomain helicase DNA binding protein 5; minus strand). Cytogenetic location: 1p36.31.
Variant type: single nucleotide variant.
Coding change: c.4312C>T on transcript NM_015557.3 (MANE Select); coding-DNA position 4312, C replaced by T.
Protein change: p.Arg1438Cys; replaces arginine 1438 with cysteine.
Molecular consequence: missense variant.
Genome position (GRCh38, 1-based): chr1:6,125,182, G>A on the plus strand (C>T on the coding strand, the complement: CHD5 is on the minus strand). VCF-style: chr1-6125182-G-A. GRCh37 (hg19) VCF-style: chr1-6185242-G-A.
Other names: short protein forms R1438C.
Identifiers: ClinVar variation 3902476 (VCV003902476.1).

ClinVar aggregate classification (germline): Uncertain significance (1 of 4 stars; one submission).

Submission:

Women's Health and Genetics/Laboratory Corporation of America, LabCorp
Classification: Uncertain significance. Last evaluated: 2025-05-29. Review status: criteria provided, single submitter. Criteria: LabCorp Variant Classification Summary - May 2015. Collection method: clinical testing. Allele origin: germline.
Comment: Variant summary: CHD5 c.4312C>T (p.Arg1438Cys) results in a non-conservative amino acid change in the encoded protein sequence. Algorithms developed to predict the effect of missense changes on protein structure and function all suggest that this variant is likely to be disruptive. The variant was absent in 239422 control chromosomes. The available data on variant occurrences in the general population are insufficient to allow any conclusion about variant significance. To our knowledge, no occurrence of c.4312C>T in individuals affected with Parenti-Mignot Neurodevelopmental Syndrome and no experimental evidence demonstrating its impact on protein function have been reported. No submitters have cited clinical-significance assessments for this variant to ClinVar. Based on the evidence outlined above, the variant was classified as uncertain significance.